The following is an entry in ClinVar:

ClinVar aggregate classification (germline): Uncertain significance (1 of 4 stars; one submission).

Submission:

Labcorp Genetics (formerly Invitae), Labcorp
Classification: Uncertain significance. Last evaluated: 2024-11-05. Review status: criteria provided, single submitter. Criteria: Invitae Variant Classification Sherloc (09022015). Collection method: clinical testing. Allele origin: germline.
Comment: This sequence change falls in intron 24 of the LARS gene. It does not directly change the encoded amino acid sequence of the LARS protein. This variant is not present in population databases (gnomAD no frequency). This variant has not been reported in the literature in individuals affected with LARS-related conditions. ClinVar contains an entry for this variant (Variation ID: 2995847). Algorithms developed to predict the effect of sequence changes on RNA splicing suggest that this variant may disrupt the consensus splice site. In summary, the available evidence is currently insufficient to determine the role of this variant in disease. Therefore, it has been classified as a Variant of Uncertain Significance.

NM_020117.11(LARS1):c.2488-6T>G

Gene: LARS1 (leucyl-tRNA synthetase 1; minus strand). Cytogenetic location: 5q32.
Variant type: single nucleotide variant.
Coding change: c.2488-6T>G on transcript NM_020117.11 (MANE Select); 6 bases into the intron before coding-DNA position 2488, T replaced by G.
Molecular consequence: intron variant.
Genome position (GRCh38, 1-based): chr5:146,130,164, A>C on the plus strand (T>G on the coding strand, the complement: LARS1 is on the minus strand). VCF-style: chr5-146130164-A-C. GRCh37 (hg19) VCF-style: chr5-145509727-A-C.
Other names: c.2326-6T>G (NM_001317965.2); c.2407-6T>G (NM_016460.4); c.2350-6T>G (NM_001317964.2).
Identifiers: ClinVar variation 2995847 (VCV002995847.3), dbSNP rs2532781933, ClinGen allele CA2578439408.